The following is an entry in ClinVar:

ClinVar aggregate classification (germline): Uncertain significance (1 of 4 stars; one submission).

Conditions:
Long QT syndrome (LQTS). Identifiers: MedGen C0023976, MeSH D008133, MONDO:0002442. Disease mechanism: loss of function. Inheritance: Various modes of inheritance.

Submission:

Labcorp Genetics (formerly Invitae), Labcorp
Classification: Uncertain significance for Long QT syndrome. Last evaluated: 2024-09-30. Review status: criteria provided, single submitter. Criteria: Invitae Variant Classification Sherloc (09022015). Collection method: clinical testing. Allele origin: germline.
Comment: This sequence change replaces arginine, which is basic and polar, with glycine, which is neutral and non-polar, at codon 1910 of the CACNA1C protein (p.Arg1910Gly). This variant is not present in population databases (gnomAD no frequency). This variant has not been reported in the literature in individuals affected with CACNA1C-related conditions. ClinVar contains an entry for this variant (Variation ID: 1376918). Invitae Evidence Modeling of protein sequence and biophysical properties (such as structural, functional, and spatial information, amino acid conservation, physicochemical variation, residue mobility, and thermodynamic stability) indicates that this missense variant is not expected to disrupt CACNA1C protein function with a negative predictive value of 95%. In summary, the available evidence is currently insufficient to determine the role of this variant in disease. Therefore, it has been classified as a Variant of Uncertain Significance.

NM_000719.7(CACNA1C):c.5728C>G (p.Arg1910Gly)

Genes: CACNA1C (calcium voltage-gated channel subunit alpha1 C; plus strand), CACNA1C-AS1 (CACNA1C antisense RNA 1; minus strand). Cytogenetic location: 12p13.33.
Variant type: single nucleotide variant.
Coding change: c.5728C>G on transcript NM_000719.7 (MANE Select); coding-DNA position 5728, C replaced by G.
Protein change: p.Arg1910Gly; replaces arginine 1910 with glycine.
Molecular consequence: missense variant.
Genome position (GRCh38, 1-based): chr12:2,686,213, C>G. VCF-style: chr12-2686213-C-G. GRCh37 (hg19) VCF-style: chr12-2795379-C-G.
Other names: c.5872C>G, p.Arg1958Gly (NM_001129827.2); c.5851C>G, p.Arg1951Gly (NM_001129829.2); c.5833C>G, p.Arg1945Gly (NM_001129830.3, NM_001167624.3); c.5812C>G, p.Arg1938Gly (NM_001129831.2); c.5788C>G, p.Arg1930Gly (NM_001129832.2); c.5785C>G, p.Arg1929Gly (NM_001129833.2, NM_001129834.2, NM_001129835.2); c.5779C>G, p.Arg1927Gly (NM_001129836.2); c.5752C>G, p.Arg1918Gly (NM_001129837.2, NM_001129838.2); and 6 more; short protein forms R1907G, R1910G, R1945G, R1929G, R1930G, R1899G, R1916G, R1951G.
Identifiers: ClinVar variation 1376918 (VCV001376918.8), dbSNP rs1556291640, ClinGen allele CA383382635.
Genomic context (GRCh38, chr12:2,686,213, plus strand): 5'-GCTGGCTTTGCAGGTCGAAGGGCCTCCTTCCACCTGGAATGTCTGAAGCGACAGAAGGAC[C>G]GAGGGGGAGACATCTCTCAGAAGACAGTCCTGCCCTTGCATCTGGTTCATCATCAGGTAG-3'
Protein context (NP_000710.5, residues 1900-1920): HLECLKRQKD[Arg1910Gly]GGDISQKTVL